The following is an entry in ClinVar:

ClinVar aggregate classification (germline): Benign/Likely benign. Review status: criteria provided, multiple submitters, no conflicts (2 of 4 stars). 8 submissions from 8 submitters: Benign (2); Likely benign (5). 1 of the submissions does not count toward it. Last evaluated 2026-04-28.

Conditions:
MLH3-related disorder. Also called: MLH3-related condition.
Endometrial carcinoma. Also called: Endometrial carcinoma, somatic. Identifiers: MedGen C0476089, MONDO:0002447, OMIM 608089, HP:0012114.
Colorectal cancer, hereditary nonpolyposis, type 7. Identifiers: Orphanet 144, MedGen C1858380, MONDO:0013725, OMIM 614385.
Colorectal cancer. Also called: Colorectal cancer, somatic; Malignant Colorectal Neoplasm. Identifiers: MedGen C0346629, MONDO:0005575, OMIM 114500.

Allele frequency attached by ClinVar (database versions not stated): gnomAD exomes 0.00012 and 0.00035; 1000 Genomes Project 0.00020; ExAC 0.00040; 1000 Genomes Project 30x 0.00062; ESP Exome Variant Server 0.00123; gnomAD 0.00146 and 0.00160; TOPMed 0.00163.
gnomAD v4.1: 405 of 1,614,186 alleles (0.025%); highest among the groups gnomAD compares: African/African-American, 0.49%; 1 homozygote.

Submissions (8):

Myriad Genetics, Inc.
Classification: Benign for Colorectal cancer, hereditary nonpolyposis, type 7. Last evaluated: 2026-04-28. Review status: criteria provided, single submitter. Criteria: Myriad Autosomal Dominant, Autosomal Recessive and X-Linked Classification Criteria (2023). Collection method: clinical testing. Allele origin: unknown.
Comment: This variant is considered benign. This variant is a silent/synonymous amino acid change and it is not expected to impact splicing.

Labcorp Genetics (formerly Invitae), Labcorp
Classification: Benign for Colorectal cancer, hereditary nonpolyposis, type 7. Last evaluated: 2025-12-24. Review status: criteria provided, single submitter. Criteria: Invitae Variant Classification Sherloc (09022015). Collection method: clinical testing. Allele origin: germline.

Department of Pathology and Laboratory Medicine, Sinai Health System
Classification: Likely benign for Colorectal cancer; Endometrial carcinoma; Colorectal cancer, hereditary nonpolyposis, type 7. Last evaluated: 2023-03-28. Review status: criteria provided, single submitter. Criteria: ACMG Guidelines, 2015. Collection method: clinical testing. Allele origin: germline. Affected: yes.

Blueprint Genetics
Classification: Likely benign. Last evaluated: 2022-07-17. Review status: criteria provided, single submitter. Criteria: ACMG Guidelines, 2015. Collection method: clinical testing. Allele origin: germline.

Ambry Genetics
Classification: Likely benign. Last evaluated: 2020-09-18. Review status: criteria provided, single submitter. Criteria: Ambry Variant Classification Scheme 2023. Collection method: clinical testing. Allele origin: germline.

Illumina Laboratory Services, Illumina
Classification: Likely benign for Colorectal cancer, hereditary nonpolyposis, type 7. Last evaluated: 2018-01-12. Review status: criteria provided, single submitter. Criteria: ICSL Variant Classification Criteria 13 December 2019. Collection method: clinical testing. Allele origin: germline.
Comment: This variant was observed in the ICSL laboratory as part of a predisposition screen in an ostensibly healthy population. It had not been previously curated by ICSL or reported in the Human Gene Mutation Database (HGMD: prior to June 1st, 2018), and was therefore a candidate for classification through an automated scoring system. Utilizing variant allele frequency, disease prevalence and penetrance estimates, and inheritance mode, an automated score was calculated to assess if this variant is too frequent to cause the disease. Based on the score and internal cut-off values, a variant classified as likely benign is not then subjected to further curation. The score for this variant resulted in a classification of likely benign for this disease.

Breakthrough Genomics
Classification: Likely benign. Review status: criteria provided, single submitter. Criteria: ACMG Guidelines, 2015. Collection method: not provided. Allele origin: germline. Inheritance: Autosomal dominant inheritance. Affected: yes.

PreventionGenetics, part of Exact Sciences
Classification: Benign for MLH3-related condition. Last evaluated: 2020-01-06. Review status: no assertion criteria provided. Collection method: clinical testing. Allele origin: germline. Not counted in ClinVar's aggregate classification.
Comment: This variant is classified as benign based on ACMG/AMP sequence variant interpretation guidelines (Richards et al. 2015 PMID: 25741868, with internal and published modifications).

NM_001040108.2(MLH3):c.429G>A (p.Gly143=)

Gene: MLH3 (mutL homolog 3; minus strand). Cytogenetic location: 14q24.3.
Variant type: single nucleotide variant.
Coding change: c.429G>A on transcript NM_001040108.2 (MANE Select); coding-DNA position 429, G replaced by A.
Protein change: p.Gly143=; no amino-acid change (glycine 143 retained).
Molecular consequence: synonymous variant.
Genome position (GRCh38, 1-based): chr14:75,049,227, C>T on the plus strand (G>A on the coding strand, the complement: MLH3 is on the minus strand). VCF-style: chr14-75049227-C-T. GRCh37 (hg19) VCF-style: chr14-75515930-C-T.
Other names: c.429G>A, p.Gly143= (NM_014381.3).
Identifiers: ClinVar variation 238250 (VCV000238250.26), dbSNP rs138943686, ClinGen allele CA7276032.